The following is an entry in ClinVar:

NM_078626.3(CDKN2C):c.189C>T (p.Pro63=)

Gene: CDKN2C (cyclin dependent kinase inhibitor 2C; plus strand). Cytogenetic location: 1p32.3.
Variant type: single nucleotide variant.
Coding change: c.189C>T on transcript NM_078626.3 (MANE Select); coding-DNA position 189, C replaced by T.
Protein change: p.Pro63=; no amino-acid change (proline 63 retained).
Molecular consequence: synonymous variant.
Genome position (GRCh38, 1-based): chr1:50,973,952, C>T. VCF-style: chr1-50973952-C-T. GRCh37 (hg19) VCF-style: chr1-51439624-C-T.
Other names: c.189C>T, p.Pro63= (NM_001262.3).
Identifiers: ClinVar variation 3026540 (VCV003026540.22), dbSNP rs752677434, ClinGen allele CA846452.
Genomic context (GRCh38, chr1:50,973,952, plus strand): 5'-GGTTATGAAACTTGGAAATCCCGAGATTGCCAGGAGACTGCTACTTAGAGGTGCTAATCC[C>T]GATTTGAAAGACCGAACTGGTTTCGCTGTCATTCATGATGCGGCCAGAGCAGGTTTCCTG-3'
Protein context (NP_523240.1, residues 53-73): ARRLLLRGAN[Pro63=]DLKDRTGFAV

ClinVar aggregate classification (germline): Likely benign (1 of 4 stars; one submission).

Allele frequency attached by ClinVar (database versions not stated): gnomAD 0.00002; TOPMed 0.00006.
gnomAD v4.1: 36 of 1,614,026 alleles (0.0022%); highest among the groups gnomAD compares: Admixed American, 0.025%; no homozygotes.

Submission:

CeGaT Center for Human Genetics Tuebingen
Classification: Likely benign. Last evaluated: 2023-12-01. Review status: criteria provided, single submitter. Criteria: CeGaT Center For Human Genetics Tuebingen Variant Classification Criteria Version 2. Collection method: clinical testing. Allele origin: germline. Affected: yes. Observed: 1 variant allele.
Comment: CDKN2C: BP4, BP7